The following is an entry in ClinVar:

ClinVar aggregate classification (germline): Uncertain significance (1 of 4 stars; one submission).

Submission:

Labcorp Genetics (formerly Invitae), Labcorp
Classification: Uncertain significance. Last evaluated: 2025-09-04. Review status: criteria provided, single submitter. Criteria: Invitae Variant Classification Sherloc (09022015). Collection method: clinical testing. Allele origin: germline.
Comment: This sequence change replaces leucine, which is neutral and non-polar, with methionine, which is neutral and non-polar, at codon 339 of the HPS3 protein (p.Leu339Met). This variant is not present in population databases (gnomAD no frequency). This variant has not been reported in the literature in individuals affected with HPS3-related conditions. Invitae Evidence Modeling of protein sequence and biophysical properties (such as structural, functional, and spatial information, amino acid conservation, physicochemical variation, residue mobility, and thermodynamic stability) has been performed for this missense variant. However, the output from this modeling did not meet the statistical confidence thresholds required to predict the impact of this variant on HPS3 protein function. In summary, the available evidence is currently insufficient to determine the role of this variant in disease. Therefore, it has been classified as a Variant of Uncertain Significance.

NM_032383.5(HPS3):c.1015T>A (p.Leu339Met)

Gene: HPS3 (HPS3 biogenesis of lysosomal organelles complex 2 subunit 1; plus strand). Cytogenetic location: 3q24.
Variant type: single nucleotide variant.
Coding change: c.1015T>A on transcript NM_032383.5 (MANE Select); coding-DNA position 1015, T replaced by A.
Protein change: p.Leu339Met; replaces leucine 339 with methionine.
Molecular consequence: missense variant.
Genome position (GRCh38, 1-based): chr3:149,145,398, T>A. VCF-style: chr3-149145398-T-A. GRCh37 (hg19) VCF-style: chr3-148863185-T-A.
Other names: c.520T>A, p.Leu174Met (NM_001308258.2); short protein forms L174M, L339M.
Identifiers: ClinVar variation 4804075 (VCV004804075.1).